The following is an entry in ClinVar:

ClinVar aggregate classification (germline): Uncertain significance. Review status: criteria provided, multiple submitters, no conflicts (2 of 4 stars). 2 submissions from 2 submitters: Uncertain significance (2). Last evaluated 2023-11-28.

Conditions:
Epileptic encephalopathy. Identifiers: MedGen C0543888, HP:0200134.

gnomAD v4.1: 1 of 1,613,900 alleles (0.000062%); highest among the groups gnomAD compares: African/African-American, 0.0013%; no homozygotes.

Submissions (2):

Labcorp Genetics (formerly Invitae), Labcorp
Classification: Uncertain significance for Epileptic encephalopathy. Last evaluated: 2023-11-28. Review status: criteria provided, single submitter. Criteria: Invitae Variant Classification Sherloc (09022015). Collection method: clinical testing. Allele origin: germline.
Comment: This sequence change replaces alanine, which is neutral and non-polar, with threonine, which is neutral and polar, at codon 3968 of the RYR3 protein (p.Ala3968Thr). This variant is not present in population databases (gnomAD no frequency). This variant has not been reported in the literature in individuals affected with RYR3-related conditions. ClinVar contains an entry for this variant (Variation ID: 1063572). Advanced modeling of protein sequence and biophysical properties (such as structural, functional, and spatial information, amino acid conservation, physicochemical variation, residue mobility, and thermodynamic stability) performed at Invitae indicates that this missense variant is not expected to disrupt RYR3 protein function with a negative predictive value of 80%. In summary, the available evidence is currently insufficient to determine the role of this variant in disease. Therefore, it has been classified as a Variant of Uncertain Significance.

Ambry Genetics
Classification: Uncertain significance. Last evaluated: 2023-03-02. Review status: criteria provided, single submitter. Criteria: Ambry Variant Classification Scheme 2023. Collection method: clinical testing. Allele origin: germline.

NM_001036.6(RYR3):c.11902G>A (p.Ala3968Thr)

Gene: RYR3 (ryanodine receptor 3; plus strand). Cytogenetic location: 15q14.
Variant type: single nucleotide variant.
Coding change: c.11902G>A on transcript NM_001036.6 (MANE Select); coding-DNA position 11902, G replaced by A.
Protein change: p.Ala3968Thr; replaces alanine 3968 with threonine.
Molecular consequence: missense variant.
Genome position (GRCh38, 1-based): chr15:33,837,882, G>A. VCF-style: chr15-33837882-G-A. GRCh37 (hg19) VCF-style: chr15-34130083-G-A.
Other names: c.11902G>A (NM_001036.3); c.11887G>A, p.Ala3963Thr (NM_001243996.4); short protein forms A3968T, A3963T.
Identifiers: ClinVar variation 1063572 (VCV001063572.8), dbSNP rs577747200, ClinGen allele CA391593089.